The following is an entry in ClinVar:

NM_002519.3(NPAT):c.2463C>G (p.Asp821Glu)

Gene: NPAT (nuclear protein, coactivator of histone transcription; minus strand). Cytogenetic location: 11q22.3.
Variant type: single nucleotide variant.
Coding change: c.2463C>G on transcript NM_002519.3 (MANE Select); coding-DNA position 2463, C replaced by G.
Protein change: p.Asp821Glu; replaces aspartic acid 821 with glutamic acid.
Molecular consequence: missense variant.
Genome position (GRCh38, 1-based): chr11:108,172,521, G>C on the plus strand (C>G on the coding strand, the complement: NPAT is on the minus strand). VCF-style: chr11-108172521-G-C. GRCh37 (hg19) VCF-style: chr11-108043248-G-C.
Other names: c.2463C>G, p.Asp821Glu (NM_001321307.1); short protein forms D821E.
Identifiers: ClinVar variation 3222532 (VCV003222532.1), dbSNP rs2077961801, ClinGen allele CA382512926.

ClinVar aggregate classification (germline): Uncertain significance (1 of 4 stars; one submission).

Submission:

Ambry Genetics
Classification: Uncertain significance. Last evaluated: 2023-09-15. Review status: criteria provided, single submitter. Criteria: Ambry Variant Classification Scheme 2023. Collection method: clinical testing. Allele origin: germline.
Comment: The p.D821E variant (also known as c.2463C>G), located in coding exon 13 of the NPAT gene, results from a C to G substitution at nucleotide position 2463. The aspartic acid at codon 821 is replaced by glutamic acid, an amino acid with highly similar properties. This amino acid position is conserved. In addition, this alteration is predicted to be tolerated by in silico analysis. Since supporting evidence is limited at this time, the clinical significance of this alteration remains unclear.